The following is an entry in ClinVar:

NM_000451.4(SHOX):c.100A>T (p.Thr34Ser)

Gene: SHOX (SHOX homeobox; plus strand). Cytogenetic location: Xp22.33.
Variant type: single nucleotide variant.
Coding change: c.100A>T on transcript NM_000451.4 (MANE Select); coding-DNA position 100, A replaced by T.
Protein change: p.Thr34Ser; replaces threonine 34 with serine.
Molecular consequence: missense variant.
Genome position (GRCh38, 1-based): chrX:630,997, A>T. VCF-style: chrX-630997-A-T. GRCh37 (hg19) VCF-style: chrX-591732-A-T.
Other names: c.100A>T, p.Thr34Ser (NM_006883.2); short protein forms T34S.
Identifiers: ClinVar variation 1807415 (VCV001807415.2), dbSNP rs2522083664, ClinGen allele CA412230749.

ClinVar aggregate classification (germline): Uncertain significance (1 of 4 stars; one submission).

Allele frequency attached by ClinVar (database versions not stated): gnomAD exomes below 0.00001.
gnomAD v4.1: 2 of 1,613,864 alleles (0.00012%); highest among the groups gnomAD compares: Non-Finnish European, 0.000085%; no homozygotes.

Submission:

Athena Diagnostics
Classification: Uncertain significance. Last evaluated: 2022-09-19. Review status: criteria provided, single submitter. Criteria: Athena Diagnostics Criteria. Collection method: clinical testing. Allele origin: unknown.
Comment: Available data are insufficient to determine the clinical significance of the variant at this time. This variant has not been reported in large, multi-ethnic general populations. Computational tools predict that this variant is not damaging.